The following is an entry in ClinVar:

ClinVar aggregate classification (germline): Uncertain significance. Review status: criteria provided, multiple submitters, no conflicts (2 of 4 stars). 2 submissions from 2 submitters: Uncertain significance (2). Last evaluated 2025-12-15.

Conditions:
Brachyolmia-amelogenesis imperfecta syndrome. Also called: PLATYSPONDYLY WITH AMELOGENESIS IMPERFECTA; Tooth agenesis, selective, 6; Dental anomalies and short stature. Identifiers: Orphanet 2899, MedGen C1832594, MONDO:0011018, OMIM 601216. Disease mechanism: loss of function.
Inborn genetic diseases. Identifiers: MedGen C0950123, MeSH D030342.

Allele frequency attached by ClinVar (database versions not stated): ExAC 0.00005; gnomAD exomes 0.00005.
gnomAD v4.1: 17 of 1,613,388 alleles (0.0011%); highest among the groups gnomAD compares: Admixed American, 0.027%; no homozygotes.

Submissions (2):

Ambry Genetics
Classification: Uncertain significance for Inborn genetic diseases. Last evaluated: 2025-12-15. Review status: criteria provided, single submitter. Criteria: Ambry Variant Classification Scheme 2023. Collection method: clinical testing. Allele origin: germline.

Labcorp Genetics (formerly Invitae), Labcorp
Classification: Uncertain significance for Brachyolmia-amelogenesis imperfecta syndrome. Last evaluated: 2023-10-10. Review status: criteria provided, single submitter. Criteria: Invitae Variant Classification Sherloc (09022015). Collection method: clinical testing. Allele origin: germline.
Comment: This sequence change replaces valine, which is neutral and non-polar, with methionine, which is neutral and non-polar, at codon 1035 of the LTBP3 protein (p.Val1035Met). This variant is present in population databases (rs200797100, gnomAD 0.03%). This variant has not been reported in the literature in individuals affected with LTBP3-related conditions. ClinVar contains an entry for this variant (Variation ID: 1368599). An algorithm developed to predict the effect of missense changes on protein structure and function (PolyPhen-2) suggests that this variant is likely to be disruptive. Algorithms developed to predict the effect of sequence changes on RNA splicing suggest that this variant may disrupt the consensus splice site. In summary, the available evidence is currently insufficient to determine the role of this variant in disease. Therefore, it has been classified as a Variant of Uncertain Significance.

NM_001130144.3(LTBP3):c.3103G>A (p.Val1035Met)

Genes: LTBP3 (latent transforming growth factor beta binding protein 3; minus strand), LOC121832793 (Sharpr-MPRA regulatory region 4001; plus strand). Cytogenetic location: 11q13.1.
Variant type: single nucleotide variant.
Coding change: c.3103G>A on transcript NM_001130144.3 (MANE Select); coding-DNA position 3103, G replaced by A.
Protein change: p.Val1035Met; replaces valine 1035 with methionine.
Molecular consequence: missense variant.
Genome position (GRCh38, 1-based): chr11:65,540,489, C>T on the plus strand (G>A on the coding strand, the complement: LTBP3 is on the minus strand). VCF-style: chr11-65540489-C-T. GRCh37 (hg19) VCF-style: chr11-65307960-C-T.
Other names: c.3103G>A (NM_001130144.2); c.2752G>A, p.Val918Met (NM_001164266.1); c.3103G>A, p.Val1035Met (NM_021070.4); short protein forms V1035M, V918M.
Identifiers: ClinVar variation 1368599 (VCV001368599.7), dbSNP rs200797100, ClinGen allele CA6100358.
Genomic context (GRCh38, chr11:65,540,489, plus strand): 5'-CGCGGTGGCGCGTGTCTCCCTGCCGCTTCCCCACGGCCGCCGGGGGGCGGAGCTCACCCA[C>T]GCATTCCAGCAGGTTCCCGTCGTAGTAGAAGCCCTGCTTGCAGTAGCACTCGTAGCCAGG-3'
Protein context (NP_001123616.1, residues 1025-1045): FYYDGNLLEC[Val1035Met]DVDECLDESN